The following is an entry in ClinVar:

NM_006996.3(SLC19A2):c.283C>T (p.Leu95Phe)

Gene: SLC19A2 (solute carrier family 19 member 2; minus strand). Cytogenetic location: 1q24.2.
Variant type: single nucleotide variant.
Coding change: c.283C>T on transcript NM_006996.3 (MANE Select); coding-DNA position 283, C replaced by T.
Protein change: p.Leu95Phe; replaces leucine 95 with phenylalanine.
Molecular consequence: missense variant. On other transcripts: intron variant (1).
Genome position (GRCh38, 1-based): chr1:169,477,679, G>A on the plus strand (C>T on the coding strand, the complement: SLC19A2 is on the minus strand). VCF-style: chr1-169477679-G-A. GRCh37 (hg19) VCF-style: chr1-169446917-G-A.
Other names: c.205-7493C>T (NM_001319667.1); short protein forms L95F.
Identifiers: ClinVar variation 293530 (VCV000293530.11), dbSNP rs759321228, ClinGen allele CA1233095.

ClinVar aggregate classification (germline): Uncertain significance. Review status: criteria provided, multiple submitters, no conflicts (2 of 4 stars). 5 submissions from 5 submitters: Uncertain significance (4). 1 of the submissions does not count toward it. Last evaluated 2026-03-13.

Conditions:
Inborn genetic diseases. Identifiers: MedGen C0950123, MeSH D030342.
Megaloblastic anemia, thiamine-responsive, with diabetes mellitus and sensorineural deafness (TRMA). Also called: THIAMINE METABOLISM DYSFUNCTION SYNDROME 1 (MEGALOBLASTIC ANEMIA, DIABETES MELLITUS, AND DEAFNESS TYPE); ROGERS SYNDROME; THIAMINE-RESPONSIVE ANEMIA SYNDROME; THIAMINE-RESPONSIVE MYELODYSPLASIA; Thiamine-Responsive Megaloblastic Anemia Syndrome. Identifiers: Orphanet 49827, MedGen C0342287, MONDO:0009575, OMIM 249270.

Allele frequency attached by ClinVar (database versions not stated): TOPMed 0.00002; gnomAD exomes 0.00002 and 0.00004; gnomAD 0.00003; ExAC 0.00004.
gnomAD v4.1: 35 of 1,613,896 alleles (0.0022%); highest among the groups gnomAD compares: South Asian, 0.0022%; no homozygotes.

Submissions (5):

GeneDx
Classification: Uncertain significance. Last evaluated: 2026-03-13. Review status: criteria provided, single submitter. Criteria: GeneDx Variant Classification Process June 2021. Collection method: clinical testing. Allele origin: germline.
Comment: In silico analysis supports that this missense variant has a deleterious effect on protein structure/function; Has not been previously published as pathogenic or benign to our knowledge

Ambry Genetics
Classification: Uncertain significance for Inborn genetic diseases. Last evaluated: 2025-08-22. Review status: criteria provided, single submitter. Criteria: Ambry Variant Classification Scheme 2023. Collection method: clinical testing. Allele origin: germline.

Labcorp Genetics (formerly Invitae), Labcorp
Classification: Uncertain significance. Last evaluated: 2022-04-16. Review status: criteria provided, single submitter. Criteria: Invitae Variant Classification Sherloc (09022015). Collection method: clinical testing. Allele origin: germline.
Comment: This sequence change replaces leucine, which is neutral and non-polar, with phenylalanine, which is neutral and non-polar, at codon 95 of the SLC19A2 protein (p.Leu95Phe). This variant is present in population databases (rs759321228, gnomAD 0.08%). This variant has not been reported in the literature in individuals affected with SLC19A2-related conditions. ClinVar contains an entry for this variant (Variation ID: 293530). Advanced modeling of protein sequence and biophysical properties (such as structural, functional, and spatial information, amino acid conservation, physicochemical variation, residue mobility, and thermodynamic stability) performed at Invitae indicates that this missense variant is expected to disrupt SLC19A2 protein function. In summary, the available evidence is currently insufficient to determine the role of this variant in disease. Therefore, it has been classified as a Variant of Uncertain Significance.

Illumina Laboratory Services, Illumina
Classification: Uncertain significance for Megaloblastic anemia, thiamine-responsive, with diabetes mellitus and sensorineural deafness. Last evaluated: 2018-01-12. Review status: criteria provided, single submitter. Criteria: ICSL Variant Classification Criteria 13 December 2019. Collection method: clinical testing. Allele origin: germline.

Genetic Services Laboratory, University of Chicago
Classification: Uncertain significance. Last evaluated: 2022-09-06. Review status: no assertion criteria provided. Collection method: clinical testing. Allele origin: germline. Affected: no. Not counted in ClinVar's aggregate classification.
Comment: DNA sequence analysis of the SLC19A2 gene demonstrated a sequence change, c.283C>T, in exon 2 that results in an amino acid change, p.Leu95Phe. This sequence change does not appear to have been previously described in individuals with SLC19A2-related disorders. This sequence change has been described in the gnomAD database with a frequency of 0.08% in the Ashkenazi Jewish subpopulation (dbSNP rs759321228). The p.Leu95Phe change affects a highly conserved amino acid residue located in a domain of the SLC19A2 protein that is known to be functional. In-silico pathogenicity prediction tools (SIFT, PolyPhen2, Align GVGD, REVEL) provide contradictory results for the p.Leu95Phe substitution. Due to insufficient evidences and the lack of functional studies, the clinical significance of the p.Leu95Phe change remains unknown at this time. Biallelic pathogenic variants in the SLC19A2 gene are associated with Thiamine-responsive megaloblastic anemia syndrome (OMIM# 249270), characterized by megaloblastic anemia, diabetes mellitus, and sensorineural deafness.